The following is an entry in ClinVar:

ClinVar aggregate classification (germline): Benign. Review status: criteria provided, multiple submitters, no conflicts (2 of 4 stars). 5 submissions from 5 submitters: Benign (2). 3 of the submissions do not count toward it. Last evaluated 2025-12-28.

Conditions:
Brugada syndrome. Also called: Sudden unexplained nocturnal death syndrome; Sudden Unexplained Death Syndrome; Sudden Unexplained Nocturnal Death Syndrome (SUNDS); Sudden unexpected nocturnal death syndrome. Identifiers: Orphanet 130, MedGen C1142166, MONDO:0015263.
SCN10A-related disorder. Also called: SCN10A-related condition.

Allele frequency attached by ClinVar (database versions not stated): gnomAD 0.00009; ExAC 0.00014; 1000 Genomes Project 30x 0.00016; 1000 Genomes Project 0.00020; TOPMed 0.00028.
gnomAD v4.1: 104 of 1,588,832 alleles (0.0065%); highest among the groups gnomAD compares: East Asian, 0.15%; no homozygotes.

Submissions (5):

Labcorp Genetics (formerly Invitae), Labcorp
Classification: Benign for Brugada syndrome. Last evaluated: 2025-12-28. Review status: criteria provided, single submitter. Criteria: Invitae Variant Classification Sherloc (09022015). Collection method: clinical testing. Allele origin: germline.

Women's Health and Genetics/Laboratory Corporation of America, LabCorp
Classification: Benign. Last evaluated: 2024-06-17. Review status: criteria provided, single submitter. Criteria: LabCorp Variant Classification Summary - May 2015. Collection method: clinical testing. Allele origin: germline.

PreventionGenetics, part of Exact Sciences
Classification: Likely benign for SCN10A-related condition. Last evaluated: 2020-04-24. Review status: no assertion criteria provided. Collection method: clinical testing. Allele origin: germline. Not counted in ClinVar's aggregate classification.
Comment: This variant is classified as likely benign based on ACMG/AMP sequence variant interpretation guidelines (Richards et al. 2015 PMID: 25741868, with internal and published modifications).

Clinical Genetics, Academic Medical Center
Classification: Benign. Review status: no assertion criteria provided. Collection method: clinical testing. Allele origin: germline. Affected: yes. Study: VKGL Data-share Consensus. Not counted in ClinVar's aggregate classification.

Joint Genome Diagnostic Labs from Nijmegen and Maastricht, Radboudumc and MUMC+
Classification: Likely benign. Review status: no assertion criteria provided. Collection method: clinical testing. Allele origin: germline. Affected: yes. Study: VKGL Data-share Consensus. Not counted in ClinVar's aggregate classification.

NM_006514.4(SCN10A):c.390-9G>A

Gene: SCN10A (sodium voltage-gated channel alpha subunit 10; minus strand). Cytogenetic location: 3p22.2.
Variant type: single nucleotide variant.
Coding change: c.390-9G>A on transcript NM_006514.4 (MANE Select); 9 bases into the intron before coding-DNA position 390, G replaced by A.
Molecular consequence: intron variant.
Genome position (GRCh38, 1-based): chr3:38,789,045, C>T on the plus strand (G>A on the coding strand, the complement: SCN10A is on the minus strand). VCF-style: chr3-38789045-C-T. GRCh37 (hg19) VCF-style: chr3-38830536-C-T.
Other names: c.390-9G>A (NM_001293307.2, NM_001293306.2).
Identifiers: ClinVar variation 532161 (VCV000532161.17), dbSNP rs370917734, ClinGen allele CA2321218.